The following is an entry in ClinVar:

NM_000215.4(JAK3):c.1048C>T (p.Arg350Trp)

Gene: JAK3 (Janus kinase 3; minus strand). Cytogenetic location: 19p13.11.
Variant type: single nucleotide variant.
Coding change: c.1048C>T on transcript NM_000215.4 (MANE Select); coding-DNA position 1048, C replaced by T.
Protein change: p.Arg350Trp; replaces arginine 350 with tryptophan.
Molecular consequence: missense variant.
Genome position (GRCh38, 1-based): chr19:17,841,483, G>A on the plus strand (C>T on the coding strand, the complement: JAK3 is on the minus strand). VCF-style: chr19-17841483-G-A. GRCh37 (hg19) VCF-style: chr19-17952292-G-A.
Other names: c.1048C>T, p.Arg350Trp (NM_001440439.1); short protein forms R350W.
Identifiers: ClinVar variation 4082102 (VCV004082102.2).
Genomic context (GRCh38, chr19:17,841,483, plus strand): 5'-CCAGCAGCCTCGGCGGTGCCACCTCCTTGCAGAAGAAGTGCTGGGAGTCCGTGGTCAGCC[G>A]GAAGTAGCCGTCCACGAGCGCCACGAACGACAGAGCCTCGGGCAGCCCTGGGAACTCGGC-3'
Protein context (NP_000206.2, residues 340-360): SFVALVDGYF[Arg350Trp]LTTDSQHFFC

ClinVar aggregate classification (germline): Likely pathogenic. Review status: reviewed by expert panel (3 of 4 stars). 2 submissions from 2 submitters: Likely pathogenic (1). 1 of the submissions does not count toward it. Last evaluated 2026-08-28.

Conditions:
T-B+ severe combined immunodeficiency due to JAK3 deficiency. Also called: SCID, T CELL-NEGATIVE, B CELL-POSITIVE, NK CELL-NEGATIVE; SCID, autosomal recessive, T-negative/B-positive type. Identifiers: Orphanet 35078, MedGen C1833275, MONDO:0010938, OMIM 600802.

Submissions (2):

ClinGen Severe Combined Immunodeficiency Variant Curation Expert Panel, ClinGen
Classification: Likely pathogenic for T-B+ severe combined immunodeficiency due to JAK3 deficiency. Last evaluated: 2026-08-28. Review status: reviewed by expert panel. Criteria: ClinGen SCID ACMG Specifications JAK3 V2.3. Collection method: curation. Allele origin: germline. Inheritance: Autosomal recessive inheritance.
Comment: NM_000215.4(JAK3):c.1048C>T is a missense variant predicted to result in the substitution of arginine with tryptophan at amino acid 350 (p.Arg350Trp), located within the FERM domain of JAK3, at a residue highly conserved across multiple species. This variant is absent from gnomAD v4.1.1 (0/1,566,048 alleles), with no homozygotes observed, meeting the threshold for PM2_Supporting. This variant was identified in the homozygous state in an affected proband with T-B+NK- SCID (PMID 35729272); A second, unrelated homozygous proband is noted in ClinVar (SCV006312234.1); consanguinity and ancestry were not reported for this family, so consanguinity is assumed by default (0.5 point). This variant was also identified in confirmed trans configuration with c.1914G>T (p.Leu638=), a variant independently classified as Likely Pathogenic under SCID VCEP specifications, in an affected proband with SCID (PMID 40225147) (1.0 point). An additional compound heterozygous occurrence with c.704T>C (p.Met235Thr) was reported (PMID 35729272), with phase not confirmed; this variant has not yet been independently curated by the SCID VCEP, contributing 0 points. Total: 2.5 points, meeting the threshold for PM3_Strong. This variant was identified in the homozygous state in a proband with SCID (PMID 35729272, Pt 41), with a lymphocyte subset profile showing markedly reduced CD3+ (2.52%) and CD56+ (0.41%) populations with preserved CD19+ (93.25%), consistent with a T-B+NK- phenotype (0.5 point). Although an absolute lymphocyte count was not reported, the severity of T- and NK-cell depletion on the percentage profile is considered consistent with PIDTC 2022 SCID diagnostic criteria (0.5 point). Targeted next-generation sequencing was performed with no alternative genetic explanation identified (1.0 point). Total: 2.0 points, meeting the threshold for PP4_Moderate. In summary, this variant meets the criteria to be classified as Likely Pathogenic for autosomal recessive severe combined immunodeficiency due to JAK3 deficiency based on the ACMG/AMP criteria applied, as specified by the ClinGen SCID VCEP: PM2_Supporting, PM3_Strong, PP4_Moderate (VCEP specifications version 2.3.0).

Kasturba Medical College, Manipal, Kasturba Medical College, Manipal, Manipal Academy of Higher Education, Manipal, India
Classification: Likely pathogenic for T-B+ severe combined immunodeficiency due to JAK3 deficiency. Review status: criteria provided, single submitter. Criteria: ACMG Guidelines, 2015. Collection method: research. Allele origin: biparental. Inheritance: Autosomal recessive inheritance. Affected: yes. Observed: 1 homozygote. Not counted in ClinVar's aggregate classification.
Comment: This variant was not present in gnomAD population database and our in-house database of 2674 exomes. Multiple computational prediction tools support a deleterious effect of this variant on JAK3 gene. This variant is previously reported in a similarly affected individual (Rawat et al., 2022).

Literature cited by the submitters: PubMed 35729272 (cited by Kasturba Medical College, Manipal, Kasturba Medical College, Manipal, Manipal Academy of Higher Education, Manipal, India).